The following is an entry in ClinVar:

NM_024747.6(HPS6):c.1778C>T (p.Pro593Leu)

Gene: HPS6 (HPS6 biogenesis of lysosomal organelles complex 2 subunit 3; plus strand). Cytogenetic location: 10q24.32.
Variant type: single nucleotide variant.
Coding change: c.1778C>T on transcript NM_024747.6 (MANE Select); coding-DNA position 1778, C replaced by T.
Protein change: p.Pro593Leu; replaces proline 593 with leucine.
Molecular consequence: missense variant.
Genome position (GRCh38, 1-based): chr10:102,067,252, C>T. VCF-style: chr10-102067252-C-T. GRCh37 (hg19) VCF-style: chr10-103827009-C-T.
Other names: c.1778C>T (NM_024747.5); short protein forms P593L.
Identifiers: ClinVar variation 1379415 (VCV001379415.5), dbSNP rs144363206, ClinGen allele CA5660033.
Genomic context (GRCh38, chr10:102,067,252, plus strand): 5'-GCCAGCTGGAGCCTCGATGGCTGCCACCCTTTGTGGAGCTGGCACAGCAGCAGGGCGGGC[C>T]GGGCTGGGGGGCAGGGGGCCCAGGACTGCCCCTGTATCGCCGAGCTCTGGCAGTGCTAGG-3'
Protein context (NP_079023.2, residues 583-603): FVELAQQQGG[Pro593Leu]GWGAGGPGLP

ClinVar aggregate classification (germline): Uncertain significance. Review status: criteria provided, multiple submitters, no conflicts (2 of 4 stars). 3 submissions from 3 submitters: Uncertain significance (3). Last evaluated 2026-01-12.

Conditions:
Inborn genetic diseases. Identifiers: MedGen C0950123, MeSH D030342.

Allele frequency attached by ClinVar (database versions not stated): gnomAD exomes 0.00015 and 0.00016; ExAC 0.00017; TOPMed 0.00031; gnomAD 0.00037 and 0.00040; ESP Exome Variant Server 0.00039.
gnomAD v4.1: 198 of 1,023,834 alleles (0.019%); highest among the groups gnomAD compares: African/African-American, 0.13%; no homozygotes.

Submissions (3):

Women's Health and Genetics/Laboratory Corporation of America, LabCorp
Classification: Uncertain significance. Last evaluated: 2026-01-12. Review status: criteria provided, single submitter. Criteria: LabCorp Variant Classification Summary - May 2015. Collection method: clinical testing. Allele origin: germline.
Comment: Variant summary: HPS6 c.1778C>T (p.Pro593Leu) results in a non-conservative amino acid change in the encoded protein sequence. Algorithms developed to predict the effect of missense changes on protein structure and function are either unavailable or do not agree on the potential impact of this missense change. The variant allele was found at a frequency of 0.00015 in 244154 control chromosomes. This frequency is not significantly higher than estimated for disease-causing variants in HPS6, allowing no conclusion about variant significance. To our knowledge, no occurrence of c.1778C>T in individuals affected with HPS6-related conditions and no experimental evidence demonstrating its impact on protein function have been reported. ClinVar contains an entry for this variant (Variation ID: 1379415). Based on the evidence outlined above, the variant was classified as uncertain significance.

Ambry Genetics
Classification: Uncertain significance for Inborn genetic diseases. Last evaluated: 2024-05-01. Review status: criteria provided, single submitter. Criteria: Ambry Variant Classification Scheme 2023. Collection method: clinical testing. Allele origin: germline.

Labcorp Genetics (formerly Invitae), Labcorp
Classification: Uncertain significance. Last evaluated: 2022-07-25. Review status: criteria provided, single submitter. Criteria: Invitae Variant Classification Sherloc (09022015). Collection method: clinical testing. Allele origin: germline.
Comment: This sequence change replaces proline, which is neutral and non-polar, with leucine, which is neutral and non-polar, at codon 593 of the HPS6 protein (p.Pro593Leu). This variant is present in population databases (rs144363206, gnomAD 0.1%). This variant has not been reported in the literature in individuals affected with HPS6-related conditions. ClinVar contains an entry for this variant (Variation ID: 1379415). Algorithms developed to predict the effect of missense changes on protein structure and function (SIFT, PolyPhen-2, Align-GVGD) all suggest that this variant is likely to be tolerated. In summary, the available evidence is currently insufficient to determine the role of this variant in disease. Therefore, it has been classified as a Variant of Uncertain Significance.